The following is an entry in ClinVar:

ClinVar aggregate classification (germline): Uncertain significance (1 of 4 stars; one submission).

Conditions:
Norman-Roberts syndrome (LIS2). Also called: Lissencephaly 2 (Norman-Roberts type). Identifiers: Orphanet 89844, MedGen C0796089, MONDO:0009760, OMIM 257320.
Familial temporal lobe epilepsy 7. Identifiers: Orphanet 101046, MedGen C4225327, MONDO:0014639, OMIM 616436.

Submission:

Labcorp Genetics (formerly Invitae), Labcorp
Classification: Uncertain significance for Familial temporal lobe epilepsy 7; Norman-Roberts syndrome. Last evaluated: 2022-03-19. Review status: criteria provided, single submitter. Criteria: Invitae Variant Classification Sherloc (09022015). Collection method: clinical testing. Allele origin: germline.
Comment: This variant has not been reported in the literature in individuals affected with RELN-related conditions. In summary, the available evidence is currently insufficient to determine the role of this variant in disease. Therefore, it has been classified as a Variant of Uncertain Significance. Algorithms developed to predict the effect of missense changes on protein structure and function are either unavailable or do not agree on the potential impact of this missense change (SIFT: "Deleterious"; PolyPhen-2: "Probably Damaging"; Align-GVGD: "Class C0"). ClinVar contains an entry for this variant (Variation ID: 934071). This variant is not present in population databases (gnomAD no frequency). This sequence change replaces alanine, which is neutral and non-polar, with aspartic acid, which is acidic and polar, at codon 614 of the RELN protein (p.Ala614Asp).

NM_005045.4(RELN):c.1841C>A (p.Ala614Asp)

Gene: RELN (reelin; minus strand). Cytogenetic location: 7q22.1.
Variant type: single nucleotide variant.
Coding change: c.1841C>A on transcript NM_005045.4 (MANE Select); coding-DNA position 1841, C replaced by A.
Protein change: p.Ala614Asp; replaces alanine 614 with aspartic acid.
Molecular consequence: missense variant.
Genome position (GRCh38, 1-based): chr7:103,651,712, G>T on the plus strand (C>A on the coding strand, the complement: RELN is on the minus strand). VCF-style: chr7-103651712-G-T. GRCh37 (hg19) VCF-style: chr7-103292159-G-T.
Other names: c.1841C>A, p.Ala614Asp (NM_173054.3); short protein forms A614D.
Identifiers: ClinVar variation 934071 (VCV000934071.9), dbSNP rs1832918061, ClinGen allele CA368764312.